The following is an entry in ClinVar:

ClinVar aggregate classification (germline): Uncertain significance (1 of 4 stars; one submission).

Conditions:
Inborn genetic diseases. Identifiers: MedGen C0950123, MeSH D030342.

Submission:

Ambry Genetics
Classification: Uncertain significance for Inborn genetic diseases. Last evaluated: 2021-06-02. Review status: criteria provided, single submitter. Criteria: Ambry Variant Classification Scheme 2023. Collection method: clinical testing. Allele origin: germline.
Comment: The c.1802_1803delAG (p.E601Gfs*2) alteration, located in exon 12 (coding exon 11) of the WBP11 gene, consists of a deletion of 2 nucleotides from position 1802 to 1803, causing a translational frameshift with a predicted alternate stop codon after 2 amino acids. This alteration occurs at the 3' terminus of the WBP11 gene, is not expected to trigger nonsense-mediated mRNA decay, and only impacts the last 6% of the protein. The exact functional effect of this alteration is unknown. Based on data from the Genome Aggregation Database (gnomAD), the WBP11 c.1802_1803delAG alteration was not observed, with coverage at this position. Based on insufficient or conflicting evidence, the clinical significance of this alteration remains unclear.

NM_016312.3(WBP11):c.1802_1803del (p.Glu601fs)

Gene: WBP11 (WW domain binding protein 11; minus strand). Cytogenetic location: 12p12.3.
Variant type: Microsatellite.
Coding change: c.1802_1803del on transcript NM_016312.3 (MANE Select); coding-DNA positions 1802 to 1803, 2 bases deleted (AG; older notation c.1802_1803delAG).
Protein change: p.Glu601fs; shifts the reading frame from glutamic acid 601.
Molecular consequence: frameshift variant.
Genome position (GRCh38, 1-based): chr12:14,787,188-14,787,189, CT deleted on the plus strand (AG on the coding strand, the reverse complement: WBP11 is on the minus strand); deleting any 2 consecutive bases within chr12:14,787,188-14,787,191 gives the same sequence; the c. name uses the placement nearest the transcript's 3' end. VCF-style (leftmost placement, unchanged base first): chr12-14787187-CCT-C. GRCh37 (hg19) VCF-style: chr12-14940121-CCT-C.
Other names: short protein forms E601fs.
Identifiers: ClinVar variation 2231062 (VCV002231062.2), dbSNP rs2498036204, ClinGen allele CA2580615143.